The following is an entry in ClinVar:

ClinVar aggregate classification (germline): Likely benign. Review status: criteria provided, multiple submitters, no conflicts (2 of 4 stars). 2 submissions from 2 submitters: Likely benign (2). Last evaluated 2024-07-01.

Conditions:
Inborn genetic diseases. Identifiers: MedGen C0950123, MeSH D030342.

Submissions (2):

CeGaT Center for Human Genetics Tuebingen
Classification: Likely benign. Last evaluated: 2024-07-01. Review status: criteria provided, single submitter. Criteria: CeGaT Center For Human Genetics Tuebingen Variant Classification Criteria Version 2. Collection method: clinical testing. Allele origin: germline. Affected: yes. Observed: 1 variant allele.
Comment: CHAMP1: BP4

Ambry Genetics
Classification: Likely benign for Inborn genetic diseases. Last evaluated: 2024-06-19. Review status: criteria provided, single submitter. Criteria: Ambry Variant Classification Scheme 2023. Collection method: clinical testing. Allele origin: germline.

NM_032436.4(CHAMP1):c.1379C>T (p.Pro460Leu)

Gene: CHAMP1 (chromosome alignment maintaining phosphoprotein 1; plus strand). Cytogenetic location: 13q34.
Variant type: single nucleotide variant.
Coding change: c.1379C>T on transcript NM_032436.4 (MANE Select); coding-DNA position 1379, C replaced by T.
Protein change: p.Pro460Leu; replaces proline 460 with leucine.
Molecular consequence: missense variant.
Genome position (GRCh38, 1-based): chr13:114,325,221, C>T. VCF-style: chr13-114325221-C-T. GRCh37 (hg19) VCF-style: chr13-115090696-C-T.
Other names: c.1379C>T (NM_032436.2); c.1379C>T, p.Pro460Leu (NM_001164144.3, NM_001164145.3); short protein forms P460L.
Identifiers: ClinVar variation 3257512 (VCV003257512.18).